The following is an entry in ClinVar:

NM_001903.5(CTNNA1):c.733T>C (p.Tyr245His)

Gene: CTNNA1 (catenin alpha 1; plus strand). Cytogenetic location: 5q31.2.
Variant type: single nucleotide variant.
Coding change: c.733T>C on transcript NM_001903.5 (MANE Select); coding-DNA position 733, T replaced by C.
Protein change: p.Tyr245His; replaces tyrosine 245 with histidine.
Molecular consequence: missense variant.
Genome position (GRCh38, 1-based): chr5:138,824,674, T>C. VCF-style: chr5-138824674-T-C. GRCh37 (hg19) VCF-style: chr5-138160363-T-C.
Other names: c.733T>C, p.Tyr245His (NM_001290307.3, NM_001323982.2, NM_001323983.1 and 3 more transcripts); c.424T>C, p.Tyr142His (NM_001290309.3); c.364T>C, p.Tyr122His (NM_001290310.3); c.733T>C (NM_001903.4); short protein forms Y245H, Y122H, Y142H.
Identifiers: ClinVar variation 653981 (VCV000653981.18), dbSNP rs757481572, ClinGen allele CA3431547.

ClinVar aggregate classification (germline): Conflicting classifications of pathogenicity. Review status: criteria provided, conflicting classifications (1 of 4 stars). 6 submissions from 6 submitters: Uncertain significance (4); Likely benign (1). 1 of the submissions does not count toward it. Last evaluated 2026-01-13.

Conditions:
CTNNA1-related disorder. Also called: CTNNA1-related condition.
Hereditary cancer-predisposing syndrome. Also called: Neoplastic Syndromes, Hereditary; Tumor predisposition; Hereditary Cancer Syndrome; Hereditary neoplastic syndrome. Identifiers: Orphanet 140162, MedGen C0027672, MeSH D009386, MONDO:0015356.
Patterned macular dystrophy 2. Identifiers: Orphanet 99001, MedGen C1837029, MONDO:0012162, OMIM 608970.

Allele frequency attached by ClinVar (database versions not stated): ExAC 0.00002; gnomAD exomes 0.00002; gnomAD 0.00007 and 0.00009; TOPMed 0.00008.
gnomAD v4.1: 43 of 1,614,066 alleles (0.0027%); highest among the groups gnomAD compares: East Asian, 0.031%; no homozygotes.

Submissions (6):

Labcorp Genetics (formerly Invitae), Labcorp
Classification: Uncertain significance. Last evaluated: 2026-01-13. Review status: criteria provided, single submitter. Criteria: Invitae Variant Classification Sherloc (09022015). Collection method: clinical testing. Allele origin: germline.
Comment: This sequence change replaces tyrosine, which is neutral and polar, with histidine, which is basic and polar, at codon 245 of the CTNNA1 protein (p.Tyr245His). This variant is present in population databases (rs757481572, gnomAD 0.02%). This variant has not been reported in the literature in individuals affected with CTNNA1-related conditions. ClinVar contains an entry for this variant (Variation ID: 653981). Invitae Evidence Modeling of protein sequence and biophysical properties (such as structural, functional, and spatial information, amino acid conservation, physicochemical variation, residue mobility, and thermodynamic stability) indicates that this missense variant is not expected to disrupt CTNNA1 protein function with a negative predictive value of 80%. In summary, the available evidence is currently insufficient to determine the role of this variant in disease. Therefore, it has been classified as a Variant of Uncertain Significance.

GeneDx
Classification: Uncertain significance. Last evaluated: 2024-10-22. Review status: criteria provided, single submitter. Criteria: GeneDx Variant Classification Process June 2021. Collection method: clinical testing. Allele origin: germline. Affected: yes.
Comment: In silico analysis supports that this missense variant has a deleterious effect on protein structure/function; Identified in patients referred for hereditary cancer multi-gene panel testing (PMID: 32051609); This variant is associated with the following publications: (PMID: 28852847, 32051609)

Fulgent Genetics
Classification: Uncertain significance for Patterned macular dystrophy 2. Last evaluated: 2024-06-17. Review status: criteria provided, single submitter. Criteria: ACMG Guidelines, 2015. Collection method: clinical testing. Allele origin: germline.

Baylor Genetics
Classification: Uncertain significance for Patterned macular dystrophy 2. Last evaluated: 2023-10-16. Review status: criteria provided, single submitter. Criteria: ACMG Guidelines, 2015. Collection method: clinical testing. Allele origin: unknown.

Ambry Genetics
Classification: Likely benign for Hereditary cancer-predisposing syndrome. Last evaluated: 2022-01-24. Review status: criteria provided, single submitter. Criteria: Ambry Variant Classification Scheme 2023. Collection method: clinical testing. Allele origin: germline.

PreventionGenetics, part of Exact Sciences
Classification: Uncertain significance for CTNNA1-related condition. Last evaluated: 2023-12-13. Review status: no assertion criteria provided. Collection method: clinical testing. Allele origin: germline. Not counted in ClinVar's aggregate classification.
Comment: The CTNNA1 c.733T>C variant is predicted to result in the amino acid substitution p.Tyr245His. This variant has been reported with uncertain significance in multiple individuals with gastric or breast cancer who were tested using a multigene panel (Table S1, Clark et al. 2020. PubMed ID: 32051609). This variant is reported in 0.024% of alleles in individuals of African descent in gnomAD. At this time, the clinical significance of this variant is uncertain due to the absence of conclusive functional and genetic evidence.